The following is an entry in ClinVar:

ClinVar aggregate classification (germline): Pathogenic (1 of 4 stars; one submission).

Conditions:
Hereditary cancer-predisposing syndrome. Also called: Neoplastic Syndromes, Hereditary; Tumor predisposition; Hereditary Cancer Syndrome; Hereditary neoplastic syndrome. Identifiers: Orphanet 140162, MedGen C0027672, MeSH D009386, MONDO:0015356.

Submission:

Ambry Genetics
Classification: Pathogenic for Hereditary cancer-predisposing syndrome. Last evaluated: 2026-03-20. Review status: criteria provided, single submitter. Criteria: Ambry Variant Classification Scheme 2023. Collection method: clinical testing. Allele origin: germline.
Comment: The p.Y324* pathogenic mutation (also known as c.972C>G), located in coding exon 8 of the POT1 gene, results from a C to G substitution at nucleotide position 972. This changes the amino acid from a tyrosine to a stop codon within coding exon 8. This variant is considered to be rare based on population cohorts in the Genome Aggregation Database (gnomAD). This alteration is expected to result in loss of function by premature protein truncation or nonsense-mediated mRNA decay. As such, this alteration is interpreted as a disease-causing mutation.

NM_015450.3(POT1):c.972C>G (p.Tyr324Ter)

Gene: POT1 (protection of telomeres 1; minus strand). Cytogenetic location: 7q31.33.
Variant type: single nucleotide variant.
Coding change: c.972C>G on transcript NM_015450.3 (MANE Select); coding-DNA position 972, C replaced by G.
Protein change: p.Tyr324Ter; replaces tyrosine 324 with a stop codon.
Molecular consequence: nonsense. On other transcripts: non-coding transcript variant (3).
Genome position (GRCh38, 1-based): chr7:124,846,976, G>C on the plus strand (C>G on the coding strand, the complement: POT1 is on the minus strand). VCF-style: chr7-124846976-G-C. GRCh37 (hg19) VCF-style: chr7-124487030-G-C.
Other names: c.579C>G, p.Tyr193Ter (NM_001042594.2); short protein forms Y193*, Y324*.
Identifiers: ClinVar variation 4862372 (VCV004862372.1).